The following is an entry in ClinVar:

NM_000133.4(F9):c.950C>T (p.Ala317Val)

Gene: F9 (coagulation factor IX; plus strand). Cytogenetic location: Xq27.1.
Variant type: single nucleotide variant.
Coding change: c.950C>T on transcript NM_000133.4 (MANE Select); coding-DNA position 950, C replaced by T.
Protein change: p.Ala317Val; replaces alanine 317 with valine.
Molecular consequence: missense variant.
Genome position (GRCh38, 1-based): chrX:139,561,635, C>T. VCF-style: chrX-139561635-C-T. GRCh37 (hg19) VCF-style: chrX-138643794-C-T.
Other names: c.836C>T, p.Ala279Val (NM_001313913.2); short protein forms A279V, A317V.
Identifiers: ClinVar variation 1334561 (VCV001334561.6), dbSNP rs2148367725, ClinGen allele CA414444912.

ClinVar aggregate classification (germline): Pathogenic/Likely pathogenic. Review status: criteria provided, multiple submitters, no conflicts (2 of 4 stars). 3 submissions from 3 submitters: Pathogenic (1); Likely pathogenic (2). Last evaluated 2025-09-18.

Conditions:
Hereditary factor IX deficiency disease (HEMB). Also called: F9 DEFICIENCY; FACTOR IX DEFICIENCY; PLASMA THROMBOPLASTIN COMPONENT DEFICIENCY; Hemophilia B; Christmas Disease. Identifiers: Orphanet 98879, MedGen C0008533, MeSH D002836, MONDO:0010604, OMIM 306900.
Bleeding and platelet disorders.

gnomAD v4.1: 3 of 1,211,243 alleles (0.00025%); highest among the groups gnomAD compares: Non-Finnish European, 0.00022%; no homozygotes.

Submissions (3):

North West Genomic Laboratory Hub, Manchester University NHS Foundation Trust
Classification: Likely pathogenic for Bleeding and platelet disorders. Last evaluated: 2025-09-18. Review status: criteria provided, single submitter. Criteria: ACGS Best Practice Guidelines for Variant Classification in Rare Disease 2024. Collection method: clinical testing. Allele origin: germline. Affected: yes.
Comment: PM2_Mod PM5_Supp PP4_Mod PP3_Supp PS4_Mod

Women's Health and Genetics/Laboratory Corporation of America, LabCorp
Classification: Pathogenic for Hereditary factor IX deficiency disease. Last evaluated: 2024-08-14. Review status: criteria provided, single submitter. Criteria: LabCorp Variant Classification Summary - May 2015. Collection method: clinical testing. Allele origin: germline.
Comment: Variant summary: F9 c.950C>T (p.Ala317Val) results in a non-conservative amino acid change located in the Serine proteases, trypsin domain (IPR001254) of the encoded protein sequence. Five of five in-silico tools predict a damaging effect of the variant on protein function. The variant was absent in 182463 control chromosomes (gnomAD). c.950C>T has been reported in the literature in multiple individuals affected with Factor IX Deficiency (Hemophilia B; e.g. Koeberl_1990, Saad_1994, Jenkins_2008). These data indicate that the variant is very likely to be associated with disease. The following publications have been ascertained in the context of this evaluation (PMID: 8091381, 2198809, 18479429). ClinVar contains an entry for this variant (Variation ID: 1334561). Based on the evidence outlined above, the variant was classified as pathogenic.

Greenwood Genetic Center Diagnostic Laboratories, Greenwood Genetic Center
Classification: Likely pathogenic for Hereditary factor IX deficiency disease. Last evaluated: 2021-09-07. Review status: criteria provided, single submitter. Criteria: ACMG Guidelines, 2015. Collection method: clinical testing. Allele origin: germline. Affected: yes.
Comment: PP3, PM1, PM2, PS4_Moderate

Literature cited by the submitters: PubMed 8091381 (cited by Women's Health and Genetics/Laboratory Corporation of America, LabCorp); PubMed 18479429 (cited by Women's Health and Genetics/Laboratory Corporation of America, LabCorp); PubMed 2198809 (cited by Women's Health and Genetics/Laboratory Corporation of America, LabCorp).